The following is an entry in ClinVar:

NM_181435.6(C1QTNF3):c.396G>A (p.Pro132=)

Genes: C1QTNF3 (C1q and TNF related 3; minus strand), C1QTNF3-AMACR (C1QTNF3-AMACR readthrough (NMD candidate); minus strand). Cytogenetic location: 5p13.2.
Variant type: single nucleotide variant.
Coding change: c.396G>A on transcript NM_181435.6 (MANE Select); coding-DNA position 396, G replaced by A.
Protein change: p.Pro132=; no amino-acid change (proline 132 retained).
Molecular consequence: synonymous variant. On other transcripts: non-coding transcript variant (2).
Genome position (GRCh38, 1-based): chr5:34,035,666, C>T on the plus strand (G>A on the coding strand, the complement: C1QTNF3 is on the minus strand). VCF-style: chr5-34035666-C-T. GRCh37 (hg19) VCF-style: chr5-34035771-C-T.
Other names: c.177G>A, p.Pro59= (NM_030945.4).
Identifiers: ClinVar variation 2655391 (VCV002655391.24), dbSNP rs140166139, ClinGen allele CA3226491.

ClinVar aggregate classification (germline): Likely benign (1 of 4 stars; one submission).

Allele frequency attached by ClinVar (database versions not stated): TOPMed 0.00009; gnomAD 0.00010; ExAC 0.00013; gnomAD exomes 0.00013.
gnomAD v4.1: 221 of 1,610,846 alleles (0.014%); highest among the groups gnomAD compares: Middle Eastern, 0.95%; 2 homozygotes.

Submission:

CeGaT Center for Human Genetics Tuebingen
Classification: Likely benign. Last evaluated: 2023-05-01. Review status: criteria provided, single submitter. Criteria: CeGaT Center For Human Genetics Tuebingen Variant Classification Criteria Version 2. Collection method: clinical testing. Allele origin: germline. Affected: yes. Observed: 1 variant allele.
Comment: C1QTNF3: BP4, BP7